The following is an entry in ClinVar:

NM_172107.4(KCNQ2):c.1656_1657delinsAT (p.Arg553Trp)

Gene: KCNQ2 (potassium voltage-gated channel subfamily Q member 2; minus strand). Cytogenetic location: 20q13.33.
Variant type: Indel.
Coding change: c.1656_1657delinsAT on transcript NM_172107.4 (MANE Select); coding-DNA positions 1656 to 1657, GC replaced by AT.
Protein change: p.Arg553Trp; replaces arginine 553 with tryptophan.
Molecular consequence: missense variant.
Genome position (GRCh38, 1-based): chr20:63,413,556-63,413,557, GC replaced by AT on the plus strand (GC replaced by AT on the coding strand, the reverse complement: KCNQ2 is on the minus strand). VCF-style: chr20-63413556-GC-AT. GRCh37 (hg19) VCF-style: chr20-62044909-GC-AT.
Other names: c.1602_1603delinsAT, p.Arg535Trp (NM_001382235.1, NM_172106.3); c.1599_1600delinsAT, p.Arg534Trp (NM_001439003.1); c.1569_1570delinsAT, p.Arg524Trp (NM_001439004.1); c.1572_1573delinsAT, p.Arg525Trp (NM_004518.6); c.1563_1564delinsAT, p.Arg522Trp (NM_172108.5); short protein forms R522W, R524W, R525W, R534W, R535W, R553W.
Identifiers: ClinVar variation 4819177 (VCV004819177.1).

ClinVar aggregate classification (germline): Pathogenic. Review status: criteria provided, single submitter (1 of 4 stars). 2 submissions from 1 submitter: Pathogenic (2). Last evaluated 2026-02-16.

Conditions:
Developmental and epileptic encephalopathy, 7 (DEE7). Also called: Early infantile epileptic encephalopathy 7; KCNQ2-Related Neonatal-Onset Developmental and Epileptic Encephalopathy (NEO-DEE); KCNQ2-Related Neonatal Epileptic Encephalopathy. Identifiers: Orphanet 439218, MedGen C3150986, MONDO:0013387, OMIM 613720.
Seizures, benign familial neonatal, 1. Also called: Benign Neonatal Epilepsy 1; KCNQ2-Related Self-Limited Familial Neonatal Epilepsy (SLFNE); KCNQ2-Related Benign Familial Neonatal Epilepsy; Seizures, benign neonatal, 1. Identifiers: Orphanet 1949, MedGen C3149074, MONDO:0007365, OMIM 121200.

Submissions (2):

Institute of Human Genetics, University of Leipzig Medical Center
Classification: Pathogenic for Developmental and epileptic encephalopathy, 7. Last evaluated: 2026-02-16. Review status: criteria provided, single submitter. Criteria: ACMG Guidelines, 2015. Collection method: clinical testing. Allele origin: de novo. Inheritance: Autosomal dominant inheritance. Affected: yes.
Comment: Criteria applied: PM5_STR,PS1,PM2,PP3,PS2_MOD

Institute of Human Genetics, University of Leipzig Medical Center
Classification: Pathogenic for Seizures, benign familial neonatal, 1. Last evaluated: 2026-01-20. Review status: criteria provided, single submitter. Criteria: ACMG Guidelines, 2015. Collection method: clinical testing. Allele origin: unknown. Inheritance: Autosomal dominant inheritance. Affected: yes.
Comment: Criteria applied: PS1,PM5_STR,PM2,PP3